The following is an entry in ClinVar:

ClinVar aggregate classification (germline): Likely benign. Review status: criteria provided, multiple submitters, no conflicts (2 of 4 stars). 2 submissions from 2 submitters: Likely benign (2). Last evaluated 2026-02-01.

Conditions:
Kabuki syndrome. Also called: NIIKAWA-KUROKI SYNDROME; Kabuki make-up syndrome. Identifiers: Orphanet 2322, MedGen C0796004, MONDO:0016512.

Allele frequency attached by ClinVar (database versions not stated): gnomAD exomes below 0.00001; TOPMed below 0.00001.
gnomAD v4.1: 5 of 1,613,958 alleles (0.00031%); highest among the groups gnomAD compares: Non-Finnish European, 0.00034%; no homozygotes.

Submissions (2):

CeGaT Center for Human Genetics Tuebingen
Classification: Likely benign. Last evaluated: 2026-02-01. Review status: criteria provided, single submitter. Criteria: CeGaT Center For Human Genetics Tuebingen Variant Classification Criteria Version 2. Collection method: clinical testing. Allele origin: germline. Affected: yes. Observed: 1 variant allele.
Comment: KMT2D: BP4, BP7

Labcorp Genetics (formerly Invitae), Labcorp
Classification: Likely benign for Kabuki syndrome. Last evaluated: 2024-05-06. Review status: criteria provided, single submitter. Criteria: Invitae Variant Classification Sherloc (09022015). Collection method: clinical testing. Allele origin: germline.

NM_003482.4(KMT2D):c.12075A>G (p.Glu4025=)

Gene: KMT2D (lysine methyltransferase 2D; minus strand). Cytogenetic location: 12q13.12.
Variant type: single nucleotide variant.
Coding change: c.12075A>G on transcript NM_003482.4 (MANE Select); coding-DNA position 12075, A replaced by G.
Protein change: p.Glu4025=; no amino-acid change (glutamic acid 4025 retained).
Molecular consequence: synonymous variant.
Genome position (GRCh38, 1-based): chr12:49,032,630, T>C on the plus strand (A>G on the coding strand, the complement: KMT2D is on the minus strand). VCF-style: chr12-49032630-T-C. GRCh37 (hg19) VCF-style: chr12-49426413-T-C.
Identifiers: ClinVar variation 1602987 (VCV001602987.12), dbSNP rs1424174832, ClinGen allele CA479708652.